The following is an entry in ClinVar:

ClinVar aggregate classification (germline): Uncertain significance (1 of 4 stars; one submission).

Conditions:
Long QT syndrome (LQTS). Identifiers: MedGen C0023976, MeSH D008133, MONDO:0002442. Disease mechanism: loss of function. Inheritance: Various modes of inheritance.

Submission:

Labcorp Genetics (formerly Invitae), Labcorp
Classification: Uncertain significance for Long QT syndrome. Last evaluated: 2022-11-26. Review status: criteria provided, single submitter. Criteria: Invitae Variant Classification Sherloc (09022015). Collection method: clinical testing. Allele origin: germline.
Comment: In summary, the available evidence is currently insufficient to determine the role of this variant in disease. Therefore, it has been classified as a Variant of Uncertain Significance. Advanced modeling of protein sequence and biophysical properties (such as structural, functional, and spatial information, amino acid conservation, physicochemical variation, residue mobility, and thermodynamic stability) performed at Invitae indicates that this missense variant is not expected to disrupt KCNJ5 protein function. ClinVar contains an entry for this variant (Variation ID: 457008). This variant has not been reported in the literature in individuals affected with KCNJ5-related conditions. This variant is not present in population databases (gnomAD no frequency). This sequence change replaces leucine, which is neutral and non-polar, with phenylalanine, which is neutral and non-polar, at codon 133 of the KCNJ5 protein (p.Leu133Phe).

NM_000890.5(KCNJ5):c.397C>T (p.Leu133Phe)

Gene: KCNJ5 (potassium inwardly rectifying channel subfamily J member 5; plus strand). Cytogenetic location: 11q24.3.
Variant type: single nucleotide variant.
Coding change: c.397C>T on transcript NM_000890.5 (MANE Select); coding-DNA position 397, C replaced by T.
Protein change: p.Leu133Phe; replaces leucine 133 with phenylalanine.
Molecular consequence: missense variant.
Genome position (GRCh38, 1-based): chr11:128,911,670, C>T. VCF-style: chr11-128911670-C-T. GRCh37 (hg19) VCF-style: chr11-128781565-C-T.
Other names: c.397C>T (LRG_333t1); c.397C>T, p.Leu133Phe (NM_001354169.2); short protein forms L133F.
Identifiers: ClinVar variation 457008 (VCV000457008.8), dbSNP rs1555144961, ClinGen allele CA383247643.